The following is an entry in ClinVar:

NM_182961.4(SYNE1):c.4824G>A (p.Ala1608=)

Gene: SYNE1 (spectrin repeat containing nuclear envelope protein 1; minus strand). Cytogenetic location: 6q25.2.
Variant type: single nucleotide variant.
Coding change: c.4824G>A on transcript NM_182961.4 (MANE Select); coding-DNA position 4824, G replaced by A.
Protein change: p.Ala1608=; no amino-acid change (alanine 1608 retained).
Molecular consequence: synonymous variant.
Genome position (GRCh38, 1-based): chr6:152,428,357, C>T on the plus strand (G>A on the coding strand, the complement: SYNE1 is on the minus strand). VCF-style: chr6-152428357-C-T. GRCh37 (hg19) VCF-style: chr6-152749492-C-T.
Other names: c.4824G>A (NM_182961.2); c.4845G>A, p.Ala1615= (NM_033071.5).
Identifiers: ClinVar variation 290618 (VCV000290618.15), dbSNP rs369587906, ClinGen allele CA4058442.

ClinVar aggregate classification (germline): Conflicting classifications of pathogenicity. Review status: criteria provided, conflicting classifications (1 of 4 stars). 3 submissions from 3 submitters: Uncertain significance (1); Likely benign (2). Last evaluated 2025-04-14.

Conditions:
Autosomal recessive ataxia, Beauce type. Also called: Spinocerebellar ataxia, autosomal recessive 8; ATAXIA, RECESSIVE, OF BEAUCE; SYNE1 Deficiency; SYNE1-Related Autosomal Recessive Cerebellar Ataxia. Identifiers: Orphanet 88644, MedGen C1853116, MONDO:0012549, OMIM 610743.
Emery-Dreifuss muscular dystrophy 4, autosomal dominant (EDMD4). Also called: EMERY-DREIFUSS MUSCULAR DYSTROPHY 4 WITH VARIABLE FEATURES. Identifiers: Orphanet 261, MedGen C2751807, MONDO:0013071, OMIM 612998.

Allele frequency attached by ClinVar (database versions not stated): ExAC 0.00004; ESP Exome Variant Server 0.00008; TOPMed 0.00012; gnomAD 0.00014 and 0.00015.
gnomAD v4.1: 66 of 1,613,964 alleles (0.0041%); highest among the groups gnomAD compares: African/African-American, 0.056%; no homozygotes.

Submissions (3):

Labcorp Genetics (formerly Invitae), Labcorp
Classification: Likely benign for Emery-Dreifuss muscular dystrophy 4, autosomal dominant; Autosomal recessive ataxia, Beauce type. Last evaluated: 2025-04-14. Review status: criteria provided, single submitter. Criteria: Invitae Variant Classification Sherloc (09022015). Collection method: clinical testing. Allele origin: germline.

Athena Diagnostics
Classification: Likely benign. Last evaluated: 2025-04-03. Review status: criteria provided, single submitter. Criteria: Athena Diagnostics Criteria. Collection method: clinical testing. Allele origin: unknown.
Comment: Computational tools yielded predictions that this variant is unlikely to have an effect on normal RNA splicing. This nucleotide position exhibits low evolutionary conservation.

Eurofins Ntd Llc (ga)
Classification: Uncertain significance. Last evaluated: 2016-08-29. Review status: criteria provided, single submitter. Criteria: EGL Classification Definitions 2015. Collection method: clinical testing. Allele origin: germline. Observed: 2 variant alleles, 2 heterozygotes.